The following is an entry in ClinVar:

NM_001035.3(RYR2):c.3785C>T (p.Pro1262Leu)

Genes: RYR2 (ryanodine receptor 2; plus strand), LOC126806067 (BRD4-independent group 4 enhancer GRCh37_chr1:237753258-237754457; plus strand). Cytogenetic location: 1q43.
Variant type: single nucleotide variant.
Coding change: c.3785C>T on transcript NM_001035.3 (MANE Select); coding-DNA position 3785, C replaced by T.
Protein change: p.Pro1262Leu; replaces proline 1262 with leucine.
Molecular consequence: missense variant.
Genome position (GRCh38, 1-based): chr1:237,589,979, C>T. VCF-style: chr1-237589979-C-T. GRCh37 (hg19) VCF-style: chr1-237753279-C-T.
Other names: short protein forms P1262L.
Identifiers: ClinVar variation 925178 (VCV000925178.5), dbSNP rs1674966868, ClinGen allele CA345396618.

ClinVar aggregate classification (germline): Uncertain significance (1 of 4 stars; one submission).

Conditions:
Cardiomyopathy (CMYO). Also called: Cardiomyopathies. Identifiers: Orphanet 167848, MedGen C0878544, MONDO:0004994, HP:0001638. Inheritance: Various modes of inheritance.

Submission:

Color Diagnostics, LLC DBA Color Health
Classification: Uncertain significance for Cardiomyopathy. Last evaluated: 2023-12-05. Review status: criteria provided, single submitter. Criteria: ACMG Guidelines, 2015. Collection method: clinical testing. Allele origin: germline.
Comment: Variant of Uncertain Significance due to insufficient evidence: This missense variant is located in the cytoplasmic domain of the RYR2 protein. Computational prediction tools and conservation analyses suggest that this variant may have deleterious impact on the protein function. Computational splicing tools suggest that this variant may not impact RNA splicing. To our knowledge, functional assays have not been performed for this variant nor has this variant been reported in individuals affected with cardiovascular disorders in the literature. This variant is rare in the general population and has been identified in 0/277264 chromosomes by the Genome Aggregation Database (gnomAD). Available evidence is insufficient to determine the pathogenicity of this variant conclusively.